The following is an entry in ClinVar:

ClinVar aggregate classification (germline): Uncertain significance. Review status: criteria provided, multiple submitters, no conflicts (2 of 4 stars). 2 submissions from 2 submitters: Uncertain significance (2). Last evaluated 2024-12-31.

gnomAD v4.1: 3 of 1,611,860 alleles (0.00019%); highest among the groups gnomAD compares: Admixed American, 0.005%; no homozygotes.

Submissions (2):

GeneDx
Classification: Uncertain significance. Last evaluated: 2024-12-31. Review status: criteria provided, single submitter. Criteria: GeneDx Variant Classification Process June 2021. Collection method: clinical testing. Allele origin: germline. Affected: yes.
Comment: In silico analysis supports that this missense variant has a deleterious effect on protein structure/function; Has not been previously published as pathogenic or benign to our knowledge

Labcorp Genetics (formerly Invitae), Labcorp
Classification: Uncertain significance. Last evaluated: 2022-09-06. Review status: criteria provided, single submitter. Criteria: Invitae Variant Classification Sherloc (09022015). Collection method: clinical testing. Allele origin: germline.
Comment: This sequence change replaces glutamic acid, which is acidic and polar, with glycine, which is neutral and non-polar, at codon 1687 of the FREM2 protein (p.Glu1687Gly). This variant is present in population databases (rs143708269, gnomAD 0.009%). This variant has not been reported in the literature in individuals affected with FREM2-related conditions. Algorithms developed to predict the effect of missense changes on protein structure and function are either unavailable or do not agree on the potential impact of this missense change (SIFT: "Deleterious"; PolyPhen-2: "Benign"; Align-GVGD: "Class C0"). In summary, the available evidence is currently insufficient to determine the role of this variant in disease. Therefore, it has been classified as a Variant of Uncertain Significance.

NM_207361.6(FREM2):c.5060A>G (p.Glu1687Gly)

Gene: FREM2 (FRAS1 related extracellular matrix 2; plus strand). Cytogenetic location: 13q13.3.
Variant type: single nucleotide variant.
Coding change: c.5060A>G on transcript NM_207361.6 (MANE Select); coding-DNA position 5060, A replaced by G.
Protein change: p.Glu1687Gly; replaces glutamic acid 1687 with glycine.
Molecular consequence: missense variant.
Genome position (GRCh38, 1-based): chr13:38,692,404, A>G. VCF-style: chr13-38692404-A-G. GRCh37 (hg19) VCF-style: chr13-39266541-A-G.
Other names: c.5060A>G (NM_207361.4); short protein forms E1687G.
Identifiers: ClinVar variation 1949535 (VCV001949535.3), dbSNP rs143708269, ClinGen allele CA6955129.
Genomic context (GRCh38, chr13:38,692,404, plus strand): 5'-TTCGCACTCTAGCCACTGGCCACTTGGGGTTCATGATCACAAGCAAAATATTGAAAGTGG[A>G]GGACAGAGACAGCTTACACATTTCTCTTAGATTTATCGTGACAGAGGCCCCTCAACATGG-3'
Protein context (NP_997244.4, residues 1677-1697): FMITSKILKV[Glu1687Gly]DRDSLHISLR